The following is an entry in ClinVar:

ClinVar aggregate classification (germline): Uncertain significance (1 of 4 stars; one submission).

Conditions:
Retinitis pigmentosa (RP). Identifiers: Orphanet 791, MedGen C0035334, MeSH D012174, MONDO:0019200, OMIM 268000. Inheritance: Autosomal dominant, autosomal recessive and X linked inheritance.

Allele frequency attached by ClinVar (database versions not stated): TOPMed below 0.00001; gnomAD exomes 0.00001; ExAC 0.00003.
gnomAD v4.1: 10 of 1,210,512 alleles (0.00083%); highest among the groups gnomAD compares: Middle Eastern, 0.023%; no homozygotes.

Submission:

Broad Center for Mendelian Genomics, Broad Institute of MIT and Harvard
Classification: Uncertain significance for Retinitis pigmentosa. Last evaluated: 2021-04-01. Review status: criteria provided, single submitter. Criteria: ACMG Guidelines, 2015. Collection method: curation. Allele origin: germline. Inheritance: X-linked inheritance. Affected: yes.
Comment: Through a review of available evidence we were able to apply the following criteria: PM2. Based on this evidence we have classified this variant as a Variant of Uncertain Significance. If you have any questions about the classification please reach out to the Pierce Lab.

Literature cited by the submitters: PubMed 34906470.

NM_001256789.3(CACNA1F):c.3846C>T (p.Thr1282=)

Gene: CACNA1F (calcium voltage-gated channel subunit alpha1 F; minus strand). Cytogenetic location: Xp11.23.
Variant type: single nucleotide variant.
Coding change: c.3846C>T on transcript NM_001256789.3 (MANE Select); coding-DNA position 3846, C replaced by T.
Protein change: p.Thr1282=; no amino-acid change (threonine 1282 retained).
Molecular consequence: synonymous variant.
Genome position (GRCh38, 1-based): chrX:49,212,763, G>A on the plus strand (C>T on the coding strand, the complement: CACNA1F is on the minus strand). VCF-style: chrX-49212763-G-A. GRCh37 (hg19) VCF-style: chrX-49069223-G-A.
Other names: c.3684C>T, p.Thr1228= (NM_001256790.3); c.3879C>T, p.Thr1293= (NM_005183.4).
Identifiers: ClinVar variation 1297146 (VCV001297146.2), dbSNP rs782121738, ClinGen allele CA10410343.